The following is an entry in ClinVar:

NM_000052.7(ATP7A):c.2626+5G>T

Gene: ATP7A (ATPase copper transporting alpha; plus strand). Cytogenetic location: Xq21.1.
Variant type: single nucleotide variant.
Coding change: c.2626+5G>T on transcript NM_000052.7 (MANE Select); 5 bases into the intron after coding-DNA position 2626, G replaced by T.
Molecular consequence: intron variant.
Genome position (GRCh38, 1-based): chrX:78,015,886, G>T. VCF-style: chrX-78015886-G-T. GRCh37 (hg19) VCF-style: chrX-77271383-G-T.
Other names: c.2392+5G>T (NM_001282224.2).
Identifiers: ClinVar variation 1474466 (VCV001474466.6), dbSNP rs2149097418, ClinGen allele CA2573159572.

ClinVar aggregate classification (germline): Uncertain significance (1 of 4 stars; one submission).

Conditions:
Cutis laxa, X-linked (OHS). Also called: EDS IX; Occipital horn syndrome. Identifiers: Orphanet 198, MedGen C0268353, MONDO:0010572, OMIM 304150.
X-linked distal spinal muscular atrophy type 3. Also called: ATP7A-Related Distal Motor Neuropathy; SPINAL MUSCULAR ATROPHY, DISTAL, X-LINKED RECESSIVE; NEURONOPATHY, DISTAL HEREDITARY MOTOR, X-LINKED; NEUROPATHY, DISTAL HEREDITARY MOTOR, X-LINKED. Identifiers: Orphanet 139557, MedGen C1845359, MONDO:0010338, OMIM 300489.
Menkes kinky-hair syndrome (MNK). Also called: Classic Menkes Disease; Copper transport disease; Menkes Disease. Identifiers: Orphanet 565, MedGen C0022716, MONDO:0010651, OMIM 309400.

Submission:

Labcorp Genetics (formerly Invitae), Labcorp
Classification: Uncertain significance for X-linked distal spinal muscular atrophy type 3; Cutis laxa, X-linked; Menkes kinky-hair syndrome. Last evaluated: 2021-09-10. Review status: criteria provided, single submitter. Criteria: Invitae Variant Classification Sherloc (09022015). Collection method: clinical testing. Allele origin: germline.
Comment: This sequence change falls in intron 12 of the ATP7A gene. It does not directly change the encoded amino acid sequence of the ATP7A protein. It affects a nucleotide within the consensus splice site of the intron. This variant is not present in population databases (ExAC no frequency). This variant has not been reported in the literature in individuals affected with ATP7A-related conditions. Variants that disrupt the consensus splice site are a relatively common cause of aberrant splicing (PMID: 17576681, 9536098). Algorithms developed to predict the effect of sequence changes on RNA splicing suggest that this variant may disrupt the consensus splice site. In summary, the available evidence is currently insufficient to determine the role of this variant in disease. Therefore, it has been classified as a Variant of Uncertain Significance.

Literature cited by the submitters: PubMed 17576681; PubMed 9536098.